The following is an entry in ClinVar:

NM_001042472.3(ABHD12):c.5G>A (p.Arg2Lys)

Genes: ABHD12 (abhydrolase domain containing 12, lysophospholipase; minus strand), LOC130065586 (ATAC-STARR-seq lymphoblastoid silent region 12752; plus strand). Cytogenetic location: 20p11.21.
Variant type: single nucleotide variant.
Coding change: c.5G>A on transcript NM_001042472.3 (MANE Select); coding-DNA position 5, G replaced by A.
Protein change: p.Arg2Lys; replaces arginine 2 with lysine.
Molecular consequence: missense variant.
Genome position (GRCh38, 1-based): chr20:25,390,699, C>T on the plus strand (G>A on the coding strand, the complement: ABHD12 is on the minus strand). VCF-style: chr20-25390699-C-T. GRCh37 (hg19) VCF-style: chr20-25371335-C-T.
Other names: c.5G>A, p.Arg2Lys (NM_015600.5); short protein forms R2K.
Identifiers: ClinVar variation 4540112 (VCV004540112.1).

ClinVar aggregate classification (germline): Uncertain significance (1 of 4 stars; one submission).

gnomAD v4.1: 1 of 1,391,738 alleles (0.000072%); highest among the groups gnomAD compares: Non-Finnish European, 0.000093%; no homozygotes.

Submission:

GeneDx
Classification: Uncertain significance. Last evaluated: 2025-06-29. Review status: criteria provided, single submitter. Criteria: GeneDx Variant Classification Process June 2021. Collection method: clinical testing. Allele origin: germline. Affected: yes.
Comment: Not observed at significant frequency in large population cohorts (gnomAD); In silico analysis suggests that this missense variant does not alter protein structure/function; Has not been previously published as pathogenic or benign to our knowledge